The following is an entry in ClinVar:

ClinVar aggregate classification (germline): Uncertain significance (1 of 4 stars; one submission).

Conditions:
Charcot-Marie-Tooth disease type 2. Also called: Charcot-Marie-Tooth type 2. Identifiers: Orphanet 64746, MedGen C0270914, MONDO:0018993.

gnomAD v4.1: 4 of 1,614,188 alleles (0.00025%); highest among the groups gnomAD compares: Admixed American, 0.0017%; no homozygotes.

Submission:

Labcorp Genetics (formerly Invitae), Labcorp
Classification: Uncertain significance for Charcot-Marie-Tooth disease type 2. Last evaluated: 2024-08-12. Review status: criteria provided, single submitter. Criteria: Invitae Variant Classification Sherloc (09022015). Collection method: clinical testing. Allele origin: germline.
Comment: This sequence change replaces isoleucine, which is neutral and non-polar, with methionine, which is neutral and non-polar, at codon 649 of the AARS protein (p.Ile649Met). This variant is not present in population databases (gnomAD no frequency). This variant has not been reported in the literature in individuals affected with AARS-related conditions. ClinVar contains an entry for this variant (Variation ID: 1982143). Advanced modeling of protein sequence and biophysical properties (such as structural, functional, and spatial information, amino acid conservation, physicochemical variation, residue mobility, and thermodynamic stability) performed at Invitae indicates that this missense variant is not expected to disrupt AARS protein function with a negative predictive value of 95%. In summary, the available evidence is currently insufficient to determine the role of this variant in disease. Therefore, it has been classified as a Variant of Uncertain Significance.

NM_001605.3(AARS1):c.1947C>G (p.Ile649Met)

Gene: AARS1 (alanyl-tRNA synthetase 1; minus strand). Cytogenetic location: 16q22.1.
Variant type: single nucleotide variant.
Coding change: c.1947C>G on transcript NM_001605.3 (MANE Select); coding-DNA position 1947, C replaced by G.
Protein change: p.Ile649Met; replaces isoleucine 649 with methionine.
Molecular consequence: missense variant.
Genome position (GRCh38, 1-based): chr16:70,259,025, G>C on the plus strand (C>G on the coding strand, the complement: AARS1 is on the minus strand). VCF-style: chr16-70259025-G-C. GRCh37 (hg19) VCF-style: chr16-70292928-G-C.
Other names: short protein forms I649M.
Identifiers: ClinVar variation 1982143 (VCV001982143.4), dbSNP rs2506997783, ClinGen allele CA396557986.
Genomic context (GRCh38, chr16:70,259,025, plus strand): 5'-CGTCGCCCATCCTACCTTGGCTGCCTCAATCATCTCATTAGCAATCTCTTCAGCCTTCTT[G>C]ATCTGTTGGGTGGACATGGCTCCCTTGGCAGTAAAGTCAAATCTGAGGCGGTCAGGAGCA-3'
Protein context (NP_001596.2, residues 639-659): TAKGAMSTQQ[Ile649Met]KKAEEIANEM